The following is an entry in ClinVar:

NM_001379286.1(ZNF423):c.3463A>T (p.Thr1155Ser)

Gene: ZNF423 (zinc finger protein 423; minus strand). Cytogenetic location: 16q12.1.
Variant type: single nucleotide variant.
Coding change: c.3463A>T on transcript NM_001379286.1 (MANE Select); coding-DNA position 3463, A replaced by T.
Protein change: p.Thr1155Ser; replaces threonine 1155 with serine.
Molecular consequence: missense variant.
Genome position (GRCh38, 1-based): chr16:49,635,713, T>A on the plus strand (A>T on the coding strand, the complement: ZNF423 is on the minus strand). VCF-style: chr16-49635713-T-A. GRCh37 (hg19) VCF-style: chr16-49669624-T-A.
Other names: c.3259A>T, p.Thr1087Ser (NM_001271620.2); c.3088A>T, p.Thr1030Ser (NM_001330533.2); c.3439A>T, p.Thr1147Ser (NM_015069.5); short protein forms T1030S, T1087S, T1147S, T1155S.
Identifiers: ClinVar variation 1011162 (VCV001011162.8), dbSNP rs1972665643, ClinGen allele CA395839297.

ClinVar aggregate classification (germline): Uncertain significance (1 of 4 stars; one submission).

Conditions:
Nephronophthisis 14 (NPHP14). Identifiers: Orphanet 2318, MedGen C3539071, MONDO:0013916, OMIM 614844.

Submission:

Labcorp Genetics (formerly Invitae), Labcorp
Classification: Uncertain significance for Nephronophthisis 14. Last evaluated: 2020-07-15. Review status: criteria provided, single submitter. Criteria: Invitae Variant Classification Sherloc (09022015). Collection method: clinical testing. Allele origin: germline.
Comment: This sequence change replaces threonine with serine at codon 1147 of the ZNF423 protein (p.Thr1147Ser). The threonine residue is moderately conserved and there is a small physicochemical difference between threonine and serine. This variant is not present in population databases (ExAC no frequency). This variant has not been reported in the literature in individuals with ZNF423-related conditions. Algorithms developed to predict the effect of missense changes on protein structure and function (SIFT, PolyPhen-2, Align-GVGD) all suggest that this variant is likely to be tolerated, but these predictions have not been confirmed by published functional studies and their clinical significance is uncertain. In summary, the available evidence is currently insufficient to determine the role of this variant in disease. Therefore, it has been classified as a Variant of Uncertain Significance.